The following is an entry in ClinVar:

ClinVar aggregate classification (germline): Uncertain significance (1 of 4 stars; one submission).

Conditions:
Neuromuscular disease caused by qualitative or quantitative defects of dysferlin. Also called: Qualitative or quantitative defects of dysferlin; Dysferlinopathy. Identifiers: Orphanet 207073, MedGen C2931687, MONDO:0016145.

Submission:

Labcorp Genetics (formerly Invitae), Labcorp
Classification: Uncertain significance for Neuromuscular disease caused by qualitative or quantitative defects of dysferlin. Last evaluated: 2022-07-12. Review status: criteria provided, single submitter. Criteria: Invitae Variant Classification Sherloc (09022015). Collection method: clinical testing. Allele origin: germline.
Comment: This sequence change replaces glycine, which is neutral and non-polar, with valine, which is neutral and non-polar, at codon 1795 of the DYSF protein (p.Gly1795Val). This variant is not present in population databases (gnomAD no frequency). This variant has not been reported in the literature in individuals affected with DYSF-related conditions. ClinVar contains an entry for this variant (Variation ID: 1034978). Advanced modeling of protein sequence and biophysical properties (such as structural, functional, and spatial information, amino acid conservation, physicochemical variation, residue mobility, and thermodynamic stability) performed at Invitae indicates that this missense variant is expected to disrupt DYSF protein function. Algorithms developed to predict the effect of sequence changes on RNA splicing suggest that this variant may create or strengthen a splice site. In summary, the available evidence is currently insufficient to determine the role of this variant in disease. Therefore, it has been classified as a Variant of Uncertain Significance.

NM_001130987.2(DYSF):c.5501G>T (p.Gly1834Val)

Gene: DYSF (dysferlin; plus strand). Cytogenetic location: 2p13.2.
Variant type: single nucleotide variant.
Coding change: c.5501G>T on transcript NM_001130987.2 (MANE Select); coding-DNA position 5501, G replaced by T.
Protein change: p.Gly1834Val; replaces glycine 1834 with valine.
Molecular consequence: missense variant.
Genome position (GRCh38, 1-based): chr2:71,668,797, G>T. VCF-style: chr2-71668797-G-T. GRCh37 (hg19) VCF-style: chr2-71895927-G-T.
Other names: c.5387G>T, p.Gly1796Val (NM_001130455.2); c.5342G>T, p.Gly1781Val (NM_001130976.2); c.5405G>T, p.Gly1802Val (NM_001130977.2); c.5447G>T, p.Gly1816Val (NM_001130978.2); c.5477G>T, p.Gly1826Val (NM_001130979.2); c.5435G>T, p.Gly1812Val (NM_001130980.2); c.5498G>T, p.Gly1833Val (NM_001130981.2); c.5480G>T, p.Gly1827Val (NM_001130982.2); and 5 more; short protein forms G1803V, G1813V, G1795V, G1817V, G1827V, G1796V, G1812V, G1816V.
Identifiers: ClinVar variation 1034978 (VCV001034978.10), dbSNP rs994023902, ClinGen allele CA49768800.